The following is an entry in ClinVar:

ClinVar aggregate classification (germline): Uncertain significance (1 of 4 stars; one submission).

Allele frequency attached by ClinVar (database versions not stated): gnomAD exomes 0.00001 and 0.00003; ExAC 0.00005; TOPMed below 0.00001.
gnomAD v4.1: 7 of 1,614,112 alleles (0.00043%); highest among the groups gnomAD compares: Non-Finnish European, 0.00051%; no homozygotes.

Submission:

Labcorp Genetics (formerly Invitae), Labcorp
Classification: Uncertain significance. Last evaluated: 2021-08-24. Review status: criteria provided, single submitter. Criteria: Invitae Variant Classification Sherloc (09022015). Collection method: clinical testing. Allele origin: germline.
Comment: This variant has not been reported in the literature in individuals with PPCS-related conditions. In summary, the available evidence is currently insufficient to determine the role of this variant in disease. Therefore, it has been classified as a Variant of Uncertain Significance. Algorithms developed to predict the effect of missense changes on protein structure and function (SIFT, PolyPhen-2, Align-GVGD) all suggest that this variant is likely to be disruptive, but these predictions have not been confirmed by published functional studies and their clinical significance is uncertain. This variant is present in population databases (rs200227043, ExAC 0.009%). This sequence change replaces tyrosine with cysteine at codon 185 of the PPCS protein (p.Tyr185Cys). The tyrosine residue is highly conserved and there is a large physicochemical difference between tyrosine and cysteine.

NM_024664.4(PPCS):c.554A>G (p.Tyr185Cys)

Genes: CCDC30 (coiled-coil domain containing 30; plus strand), PPCS (phosphopantothenoylcysteine synthetase; plus strand). Cytogenetic location: 1p34.2.
Variant type: single nucleotide variant.
Coding change: c.554A>G on transcript NM_024664.4 (MANE Select); coding-DNA position 554, A replaced by G.
Protein change: p.Tyr185Cys; replaces tyrosine 185 with cysteine.
Molecular consequence: missense variant. On other transcripts: 5 prime UTR variant (2).
Genome position (GRCh38, 1-based): chr1:42,457,292, A>G. VCF-style: chr1-42457292-A-G. GRCh37 (hg19) VCF-style: chr1-42922963-A-G.
Other names: c.-938A>G (NM_001355226.2); c.35A>G, p.Tyr12Cys (NM_001077447.3, NM_001287506.1, NM_001287508.2 and 2 more transcripts); c.-282A>G (NM_001287507.1); c.554A>G, p.Tyr185Cys (NM_001287511.2); short protein forms Y185C, Y12C.
Identifiers: ClinVar variation 1448302 (VCV001448302.8), dbSNP rs200227043, ClinGen allele CA800013.